The following is an entry in ClinVar:

NM_016579.4(CD320):c.473G>A (p.Cys158Tyr)

Gene: CD320 (CD320 molecule; minus strand). Cytogenetic location: 19p13.2.
Variant type: single nucleotide variant.
Coding change: c.473G>A on transcript NM_016579.4 (MANE Select); coding-DNA position 473, G replaced by A.
Protein change: p.Cys158Tyr; replaces cysteine 158 with tyrosine.
Molecular consequence: missense variant.
Genome position (GRCh38, 1-based): chr19:8,303,884, C>T on the plus strand (G>A on the coding strand, the complement: CD320 is on the minus strand). VCF-style: chr19-8303884-C-T. GRCh37 (hg19) VCF-style: chr19-8368768-C-T.
Other names: c.347G>A, p.Cys116Tyr (NM_001165895.2); short protein forms C158Y, C116Y.
Identifiers: ClinVar variation 3681516 (VCV003681516.2).

ClinVar aggregate classification (germline): Uncertain significance (1 of 4 stars; one submission).

Conditions:
Methylmalonic acidemia due to transcobalamin receptor defect (MATR). Also called: METHYLMALONIC ACIDURIA, TRANSIENT, DUE TO TRANSCOBALAMIN RECEPTOR DEFECT; METHYLMALONIC ACIDEMIA, TCblR TYPE. Identifiers: Orphanet 280183, MedGen C4749905, MONDO:0013341, OMIM 613646.

Submission:

Labcorp Genetics (formerly Invitae), Labcorp
Classification: Uncertain significance for Methylmalonic acidemia due to transcobalamin receptor defect. Last evaluated: 2025-03-17. Review status: criteria provided, single submitter. Criteria: Invitae Variant Classification Sherloc (09022015). Collection method: clinical testing. Allele origin: germline.
Comment: This sequence change replaces cysteine, which is neutral and slightly polar, with tyrosine, which is neutral and polar, at codon 158 of the CD320 protein (p.Cys158Tyr). This variant is present in population databases (no rsID available, gnomAD 0.001%). This variant has not been reported in the literature in individuals affected with CD320-related conditions. An algorithm developed to predict the effect of missense changes on protein structure and function (PolyPhen-2) suggests that this variant is likely to be disruptive. In summary, the available evidence is currently insufficient to determine the role of this variant in disease. Therefore, it has been classified as a Variant of Uncertain Significance.